The following is an entry in ClinVar:

ClinVar aggregate classification (germline): Likely benign. Review status: criteria provided, single submitter (1 of 4 stars). 2 submissions from 2 submitters: Likely benign (1). 1 of the submissions does not count toward it.

Conditions:
HOXD10-related disorder. Also called: HOXD10-related condition.

Allele frequency attached by ClinVar (database versions not stated): ESP Exome Variant Server 0.00038; 1000 Genomes Project 0.00060; 1000 Genomes Project 30x 0.00062.
gnomAD v4.1: 219 of 1,613,524 alleles (0.014%); highest among the groups gnomAD compares: African/African-American, 0.19%; no homozygotes.

Submissions (2):

Breakthrough Genomics
Classification: Likely benign. Review status: criteria provided, single submitter. Criteria: ACMG Guidelines, 2015. Collection method: not provided. Allele origin: germline. Inheritance: Autosomal dominant inheritance. Affected: yes.

PreventionGenetics, part of Exact Sciences
Classification: Likely benign for HOXD10-related condition. Last evaluated: 2019-02-22. Review status: no assertion criteria provided. Collection method: clinical testing. Allele origin: germline. Not counted in ClinVar's aggregate classification.
Comment: This variant is classified as likely benign based on ACMG/AMP sequence variant interpretation guidelines (Richards et al. 2015 PMID: 25741868, with internal and published modifications).

NM_002148.4(HOXD10):c.363C>T (p.Asn121=)

Gene: HOXD10 (homeobox D10; plus strand). Cytogenetic location: 2q31.1.
Variant type: single nucleotide variant.
Coding change: c.363C>T on transcript NM_002148.4 (MANE Select); coding-DNA position 363, C replaced by T.
Protein change: p.Asn121=; no amino-acid change (asparagine 121 retained).
Molecular consequence: synonymous variant.
Genome position (GRCh38, 1-based): chr2:176,117,196, C>T. VCF-style: chr2-176117196-C-T. GRCh37 (hg19) VCF-style: chr2-176981924-C-T.
Identifiers: ClinVar variation 3046997 (VCV003046997.3), dbSNP rs7604313, ClinGen allele CA1977276.